The following is an entry in ClinVar:

NM_005862.3(STAG1):c.2936A>G (p.Lys979Arg)

Gene: STAG1 (STAG1 cohesin complex component; minus strand). Cytogenetic location: 3q22.3.
Variant type: single nucleotide variant.
Coding change: c.2936A>G on transcript NM_005862.3 (MANE Select); coding-DNA position 2936, A replaced by G.
Protein change: p.Lys979Arg; replaces lysine 979 with arginine.
Molecular consequence: missense variant.
Genome position (GRCh38, 1-based): chr3:136,359,148, T>C on the plus strand (A>G on the coding strand, the complement: STAG1 is on the minus strand). VCF-style: chr3-136359148-T-C. GRCh37 (hg19) VCF-style: chr3-136077990-T-C.
Other names: short protein forms K979R.
Identifiers: ClinVar variation 440451 (VCV000440451.5), dbSNP rs1471479119, ClinGen allele CA354645061.

ClinVar aggregate classification (germline): Conflicting classifications of pathogenicity. Review status: criteria provided, conflicting classifications (1 of 4 stars). 3 submissions from 3 submitters: Likely pathogenic (1); Uncertain significance (1). 1 of the submissions does not count toward it. Last evaluated 2024-12-16.

Conditions:
STAG1-related disorder. Also called: STAG1-related disorders.
Intellectual developmental disorder, autosomal dominant 47. Also called: MENTAL RETARDATION, AUTOSOMAL DOMINANT 47; Intellectual disability, autosomal dominant 47. Identifiers: Orphanet 502434, MedGen C4539951, MONDO:0030912, OMIM 617635.
Inborn genetic diseases. Identifiers: MedGen C0950123, MeSH D030342.

Allele frequency attached by ClinVar (database versions not stated): TOPMed 0.00002; gnomAD 0.00001.
gnomAD v4.1: 1 of 1,607,574 alleles (0.000062%); highest among the groups gnomAD compares: African/African-American, 0.0013%; no homozygotes.

Submissions (3):

Ambry Genetics
Classification: Uncertain significance for Inborn genetic diseases. Last evaluated: 2024-12-16. Review status: criteria provided, single submitter. Criteria: Ambry Variant Classification Scheme 2023. Collection method: clinical testing. Allele origin: germline.
Comment: The c.2936A>G (p.K979R) alteration is located in exon 27 (coding exon 26) of the STAG1 gene. This alteration results from an A to G substitution at nucleotide position 2936, causing the lysine (K) at amino acid position 979 to be replaced by an arginine (R). This variant was not reported in population-based cohorts in the Genome Aggregation Database (gnomAD). This variant was reported in individual(s) with features consistent with STAG1-related neurodevelopmental disorder; in at least one individual, it was determined to be de novo (Lehalle, 2017; Kaplanis, 2020). This nucleotide position is highly conserved in available vertebrate species. This amino acid position is highly conserved in available vertebrate species. The in silico prediction for this amino acid alteration is inconclusive. In silico splice site analysis predicts that this nucleotide alteration will not have any significant effect on splicing. Based on insufficient or conflicting evidence, the clinical significance of this alteration remains unclear.

Johns Hopkins Genomics, Johns Hopkins University
Classification: Likely pathogenic for Intellectual developmental disorder, autosomal dominant 47. Last evaluated: 2019-11-11. Review status: criteria provided, single submitter. Criteria: ACMG Guidelines, 2015. Collection method: clinical testing. Allele origin: germline.
Comment: Additionally, this variant is absent from a large population dataset and a single submitter in ClinVar classifies this variant as likely pathogenic. c.2936A>G alters the last nucleotide of STAG1 exon 27. Bioinformatic analysis predicts that this missense variant may increase the strength of the intron 27 splice donor site although this has not been confirmed experimentally to our knowledge. Three bioinformatic tools queried predict that this substitution would be tolerated, but the lysine residue at this position is evolutionarily conserved across all but one species assessed. We consider this variant to be likely pathogenic.

Equipe Genetique des Anomalies du Developpement, Université de Bourgogne
Classification: Likely pathogenic for STAG1-related disorder. Last evaluated: 2016-12-20. Review status: no assertion criteria provided. Collection method: clinical testing. Allele origin: de novo. Affected: yes. Not counted in ClinVar's aggregate classification.

Literature cited by the submitters: PubMed 28119487 (cited by Ambry Genetics); PubMed 33057194 (cited by Ambry Genetics).